The following is an entry in ClinVar:

ClinVar aggregate classification (germline): Conflicting classifications of pathogenicity. Review status: criteria provided, conflicting classifications (1 of 4 stars). 2 submissions from 2 submitters: Uncertain significance (1); Likely benign (1). Last evaluated 2026-06-01.

Allele frequency attached by ClinVar (database versions not stated): 1000 Genomes Project 0.00020; 1000 Genomes Project 30x 0.00016.
gnomAD v4.1: 144 of 1,613,628 alleles (0.0089%); highest among the groups gnomAD compares: Non-Finnish European, 0.012%; no homozygotes.

Submissions (2):

CeGaT Center for Human Genetics Tuebingen
Classification: Uncertain significance. Last evaluated: 2026-06-01. Review status: criteria provided, single submitter. Criteria: CeGaT Center For Human Genetics Tuebingen Variant Classification Criteria Version 2. Collection method: clinical testing. Allele origin: germline. Affected: yes. Observed: 1 variant allele.
Comment: FREM2: PM2, BP4

Labcorp Genetics (formerly Invitae), Labcorp
Classification: Likely benign. Last evaluated: 2025-08-03. Review status: criteria provided, single submitter. Criteria: Invitae Variant Classification Sherloc (09022015). Collection method: clinical testing. Allele origin: germline.

NM_207361.6(FREM2):c.4377C>T (p.Thr1459=)

Gene: FREM2 (FRAS1 related extracellular matrix 2; plus strand). Cytogenetic location: 13q13.3.
Variant type: single nucleotide variant.
Coding change: c.4377C>T on transcript NM_207361.6 (MANE Select); coding-DNA position 4377, C replaced by T.
Protein change: p.Thr1459=; no amino-acid change (threonine 1459 retained).
Molecular consequence: synonymous variant.
Genome position (GRCh38, 1-based): chr13:38,691,721, C>T. VCF-style: chr13-38691721-C-T. GRCh37 (hg19) VCF-style: chr13-39265858-C-T.
Identifiers: ClinVar variation 2895394 (VCV002895394.5), dbSNP rs41292759, ClinGen allele CA6954975.